The following is an entry in ClinVar:

NM_000392.5(ABCC2):c.4024T>C (p.Ser1342Pro)

Gene: ABCC2 (ATP binding cassette subfamily C member 2; plus strand). Cytogenetic location: 10q24.2.
Variant type: single nucleotide variant.
Coding change: c.4024T>C on transcript NM_000392.5 (MANE Select); coding-DNA position 4024, T replaced by C.
Protein change: p.Ser1342Pro; replaces serine 1342 with proline.
Molecular consequence: missense variant.
Genome position (GRCh38, 1-based): chr10:99,845,660, T>C. VCF-style: chr10-99845660-T-C. GRCh37 (hg19) VCF-style: chr10-101605417-T-C.
Other names: short protein forms S1342P.
Identifiers: ClinVar variation 3383171 (VCV003383171.2).

ClinVar aggregate classification (germline): Likely pathogenic (1 of 4 stars; one submission).

Conditions:
Dubin-Johnson syndrome (DJS). Also called: HYPERBILIRUBINEMIA, DUBIN-JOHNSON TYPE; Jaundice, Chronic Idiopathic; Hyperbilirubinemia type 2. Identifiers: Orphanet 234, MedGen C0022350, MONDO:0009380, OMIM 237500.

gnomAD v4.1: 1 of 1,614,066 alleles (0.000062%); highest among the groups gnomAD compares: Non-Finnish European, 0.000085%; no homozygotes.

Submission:

Juno Genomics, Hangzhou Juno Genomics, Inc
Classification: Likely pathogenic for Dubin-Johnson syndrome. Review status: criteria provided, single submitter. Criteria: ACMG Guidelines, 2015. Collection method: clinical testing. Allele origin: germline. Affected: yes.
Comment: Absent from controls (or at extremely low frequency if recessive) in Genome Aggregation Database, Exome Sequencing Project, 1000 Genomes Project, or Exome Aggregation Consortium.;Multiple lines of computational evidence support a deleterious effect on the gene or gene product (conservation, evolutionary, splicing impact, etc).;For recessive disorders, detected in trans with a pathogenic variant.